The following is an entry in ClinVar:

NM_001165963.4(SCN1A):c.4003-8T>G

Genes: SCN1A (sodium voltage-gated channel alpha subunit 1; minus strand), LOC102724058 (uncharacterized LOC102724058; plus strand). Cytogenetic location: 2q24.3.
Variant type: single nucleotide variant.
Coding change: c.4003-8T>G on transcript NM_001165963.4 (MANE Select); 8 bases into the intron before coding-DNA position 4003, T replaced by G.
Molecular consequence: intron variant.
Genome position (GRCh38, 1-based): chr2:166,002,761, A>C on the plus strand (T>G on the coding strand, the complement: SCN1A is on the minus strand). VCF-style: chr2-166002761-A-C. GRCh37 (hg19) VCF-style: chr2-166859271-A-C.
Other names: c.3970-8T>G (NM_001353949.2, NM_001353950.2, NM_001353951.2 and 2 more transcripts); c.3919-8T>G (NM_001353958.2, NM_001353957.2, NM_001165964.3); c.4003-8T>G (NM_001202435.3, NM_001353948.2); c.3967-8T>G (NM_001353955.2, NM_001353954.2); c.3916-8T>G (NM_001353960.2); c.1561-8T>G (NM_001353961.2).
Identifiers: ClinVar variation 1706115 (VCV001706115.2), dbSNP rs1553525411, ClinGen allele CA2580064433.

ClinVar aggregate classification (germline): Uncertain significance (1 of 4 stars; one submission).

Submission:

GeneDx
Classification: Uncertain significance. Last evaluated: 2022-03-13. Review status: criteria provided, single submitter. Criteria: GeneDx Variant Classification Process June 2021. Collection method: clinical testing. Allele origin: germline. Affected: yes.
Comment: Not observed at significant frequency in large population cohorts (gnomAD); In silico analysis supports that this variant does not alter splicing; Has not been previously published as pathogenic or benign to our knowledge